The following is an entry in ClinVar:

NM_031935.3(HMCN1):c.16657C>T (p.Arg5553Trp)

Gene: HMCN1 (hemicentin 1; plus strand). Cytogenetic location: 1q31.1.
Variant type: single nucleotide variant.
Coding change: c.16657C>T on transcript NM_031935.3 (MANE Select); coding-DNA position 16657, C replaced by T.
Protein change: p.Arg5553Trp; replaces arginine 5553 with tryptophan.
Molecular consequence: missense variant.
Genome position (GRCh38, 1-based): chr1:186,189,627, C>T. VCF-style: chr1-186189627-C-T. GRCh37 (hg19) VCF-style: chr1-186158759-C-T.
Other names: short protein forms R5553W.
Identifiers: ClinVar variation 1442527 (VCV001442527.6), dbSNP rs200641304, ClinGen allele CA1295625.

ClinVar aggregate classification (germline): Uncertain significance (1 of 4 stars; one submission).

Allele frequency attached by ClinVar (database versions not stated): TOPMed 0.00010; ExAC 0.00011; gnomAD 0.00011 and 0.00012; gnomAD exomes 0.00011; ESP Exome Variant Server 0.00015.
gnomAD v4.1: 184 of 1,612,748 alleles (0.011%); highest among the groups gnomAD compares: Non-Finnish European, 0.012%; 1 homozygote.

Submission:

Labcorp Genetics (formerly Invitae), Labcorp
Classification: Uncertain significance. Last evaluated: 2025-10-02. Review status: criteria provided, single submitter. Criteria: Invitae Variant Classification Sherloc (09022015). Collection method: clinical testing. Allele origin: germline.
Comment: This sequence change replaces arginine, which is basic and polar, with tryptophan, which is neutral and slightly polar, at codon 5553 of the HMCN1 protein (p.Arg5553Trp). This variant is present in population databases (rs200641304, gnomAD 0.06%). This variant has not been reported in the literature in individuals affected with HMCN1-related conditions. ClinVar contains an entry for this variant (Variation ID: 1442527). An algorithm developed to predict the effect of missense changes on protein structure and function (PolyPhen-2) suggests that this variant is likely to be disruptive. In summary, the available evidence is currently insufficient to determine the role of this variant in disease. Therefore, it has been classified as a Variant of Uncertain Significance.